The following is an entry in ClinVar:

ClinVar aggregate classification (germline): Pathogenic (1 of 4 stars; one submission).

Conditions:
GNPTAB-mucolipidosis. Also called: UDP-N-acetylglucosamine-1-phosphotransferase subunit alpha/beta deficiency. Identifiers: MedGen CN322573, MONDO:0100122.

Submission:

Myriad Genetics, Inc.
Classification: Pathogenic for GNPTAB-mucolipidosis. Last evaluated: 2025-07-28. Review status: criteria provided, single submitter. Criteria: Myriad Autosomal Dominant, Autosomal Recessive and X-Linked Classification Criteria (2023). Collection method: clinical testing. Allele origin: unknown.
Comment: NM_024312.4(GNPTAB):c.2650delT(Y884Tfs*27) is expected to be pathogenic in the context of GNPTAB-related disorders. This variant is predicted to lead to an abnormal or absent protein product due to the creation of a premature termination codon in GNPTAB, a gene where loss-of-function variants are known to be pathogenic. Please note: this variant was assessed in the context of healthy population screening.

NM_024312.5(GNPTAB):c.2650del (p.Tyr884fs)

Gene: GNPTAB (N-acetylglucosamine-1-phosphate transferase subunits alpha and beta; minus strand). Cytogenetic location: 12q23.2.
Variant type: Deletion.
Coding change: c.2650del on transcript NM_024312.5 (MANE Select); coding-DNA position 2650, one base deleted (T; older notation c.2650delT).
Protein change: p.Tyr884fs; shifts the reading frame from tyrosine 884.
Molecular consequence: frameshift variant.
Genome position (GRCh38, 1-based): chr12:101,764,267, A deleted on the plus strand (T on the coding strand, the reverse complement: GNPTAB is on the minus strand); the first of 2 consecutive A bases (chr12:101,764,267-101,764,268); deleting either gives the same sequence. VCF-style (leftmost placement, unchanged base first): chr12-101764266-TA-T. GRCh37 (hg19) VCF-style: chr12-102158044-TA-T.
Other names: short protein forms Y884fs.
Identifiers: ClinVar variation 5014783 (VCV005014783.1).
Genomic context (GRCh38, chr12:101,764,266, plus strand): 5'-AGAAGATCTTGGAAATACTTTTTTTTCTCCCATGGCAAAAAGCCCAAGTAACTATCTGTG[TA>T]ATGCTGCAGCTTTCTTCCAAGTAACACTTCAGTAACGCCTATGTGATTTTCAGCATTTTC-3'